The following is an entry in ClinVar:

ClinVar aggregate classification (germline): Uncertain significance (1 of 4 stars; one submission).

Conditions:
Cenani-Lenz syndactyly syndrome. Also called: CENANI SYNDACTYLISM; SYNDACTYLY, TYPE VII. Identifiers: Orphanet 3258, MedGen C1859309, MONDO:0008931, OMIM 212780.
Congenital myasthenic syndrome 17. Identifiers: Orphanet 590, MedGen C4225377, MONDO:0014578, OMIM 616304.
Sclerosteosis 2 (SOST2). Identifiers: Orphanet 3152, MedGen C3280402, MONDO:0013679, OMIM 614305.

Submission:

Labcorp Genetics (formerly Invitae), Labcorp
Classification: Uncertain significance for Cenani-Lenz syndactyly syndrome; Sclerosteosis 2; Congenital myasthenic syndrome 17. Last evaluated: 2022-10-05. Review status: criteria provided, single submitter. Criteria: Invitae Variant Classification Sherloc (09022015). Collection method: clinical testing. Allele origin: germline.
Comment: This sequence change replaces asparagine, which is neutral and polar, with lysine, which is basic and polar, at codon 1761 of the LRP4 protein (p.Asn1761Lys). This variant is not present in population databases (gnomAD no frequency). This variant has not been reported in the literature in individuals affected with LRP4-related conditions. Algorithms developed to predict the effect of missense changes on protein structure and function are either unavailable or do not agree on the potential impact of this missense change (SIFT: "Deleterious"; PolyPhen-2: "Benign"; Align-GVGD: "Class C0"). In summary, the available evidence is currently insufficient to determine the role of this variant in disease. Therefore, it has been classified as a Variant of Uncertain Significance.

NM_002334.4(LRP4):c.5283C>A (p.Asn1761Lys)

Genes: LRP4 (LDL receptor related protein 4; minus strand), LRP4-AS1 (LRP4 antisense RNA 1; plus strand). Cytogenetic location: 11p11.2.
Variant type: single nucleotide variant.
Coding change: c.5283C>A on transcript NM_002334.4 (MANE Select); coding-DNA position 5283, C replaced by A.
Protein change: p.Asn1761Lys; replaces asparagine 1761 with lysine.
Molecular consequence: missense variant.
Genome position (GRCh38, 1-based): chr11:46,862,708, G>T on the plus strand (C>A on the coding strand, the complement: LRP4 is on the minus strand). VCF-style: chr11-46862708-G-T. GRCh37 (hg19) VCF-style: chr11-46884259-G-T.
Other names: short protein forms N1761K.
Identifiers: ClinVar variation 2097093 (VCV002097093.4), dbSNP rs754562148, ClinGen allele CA380285667.
Genomic context (GRCh38, chr11:46,862,708, plus strand): 5'-GATTGCTTCAATCTTCACTTCCTGTGTGGATGTTCGGTAGGAGGGGTTGCTGTAGGTGAG[G>T]TTCCCCATTCCAGGATCAGTGAACTTGGATTTTTTGTGTCTTTAGGAGGGAAGGTGATGA-3'
Protein context (NP_002325.2, residues 1751-1771): KSKFTDPGMG[Asn1761Lys]LTYSNPSYRT